The following is an entry in ClinVar:

NM_005732.4(RAD50):c.2440G>A (p.Ala814Thr)

Gene: RAD50 (RAD50 double strand break repair protein; plus strand). Cytogenetic location: 5q31.1.
Variant type: single nucleotide variant.
Coding change: c.2440G>A on transcript NM_005732.4 (MANE Select); coding-DNA position 2440, G replaced by A.
Protein change: p.Ala814Thr; replaces alanine 814 with threonine.
Molecular consequence: missense variant.
Genome position (GRCh38, 1-based): chr5:132,603,962, G>A. VCF-style: chr5-132603962-G-A. GRCh37 (hg19) VCF-style: chr5-131939654-G-A.
Other names: short protein forms A814T.
Identifiers: ClinVar variation 855553 (VCV000855553.10), dbSNP rs1750933834, ClinGen allele CA360955509.

ClinVar aggregate classification (germline): Uncertain significance (1 of 4 stars; one submission).

Conditions:
Hereditary cancer-predisposing syndrome. Also called: Tumor predisposition; Hereditary neoplastic syndrome; Neoplastic Syndromes, Hereditary; Hereditary Cancer Syndrome. Identifiers: Orphanet 140162, MedGen C0027672, MeSH D009386, MONDO:0015356.

Allele frequency attached by ClinVar (database versions not stated): TOPMed below 0.00001.

Submission:

Labcorp Genetics (formerly Invitae), Labcorp
Classification: Uncertain significance for Hereditary cancer-predisposing syndrome. Last evaluated: 2022-03-16. Review status: criteria provided, single submitter. Criteria: Invitae Variant Classification Sherloc (09022015). Collection method: clinical testing. Allele origin: germline.
Comment: In summary, the available evidence is currently insufficient to determine the role of this variant in disease. Therefore, it has been classified as a Variant of Uncertain Significance. Algorithms developed to predict the effect of missense changes on protein structure and function are either unavailable or do not agree on the potential impact of this missense change (SIFT: "Deleterious"; PolyPhen-2: "Benign"; Align-GVGD: "Class C0"). ClinVar contains an entry for this variant (Variation ID: 855553). This variant has not been reported in the literature in individuals affected with RAD50-related conditions. This variant is not present in population databases (gnomAD no frequency). This sequence change replaces alanine, which is neutral and non-polar, with threonine, which is neutral and polar, at codon 814 of the RAD50 protein (p.Ala814Thr).